The following is an entry in ClinVar:

NM_000124.4(ERCC6):c.94A>T (p.Lys32Ter)

Gene: ERCC6 (ERCC excision repair 6, chromatin remodeling factor; minus strand). Cytogenetic location: 10q11.23.
Variant type: single nucleotide variant.
Coding change: c.94A>T on transcript NM_000124.4 (MANE Select); coding-DNA position 94, A replaced by T.
Protein change: p.Lys32Ter; replaces lysine 32 with a stop codon.
Molecular consequence: nonsense.
Genome position (GRCh38, 1-based): chr10:49,532,871, T>A on the plus strand (A>T on the coding strand, the complement: ERCC6 is on the minus strand). VCF-style: chr10-49532871-T-A. GRCh37 (hg19) VCF-style: chr10-50740917-T-A.
Other names: c.94A>T, p.Lys32Ter (NM_001277058.2, NM_001277059.2, NM_001346440.2); short protein forms K32*.
Identifiers: ClinVar variation 2022366 (VCV002022366.4), dbSNP rs1294289633, ClinGen allele CA376714374.

ClinVar aggregate classification (germline): Pathogenic (1 of 4 stars; one submission).

Submission:

Labcorp Genetics (formerly Invitae), Labcorp
Classification: Pathogenic. Last evaluated: 2022-08-07. Review status: criteria provided, single submitter. Criteria: Invitae Variant Classification Sherloc (09022015). Collection method: clinical testing. Allele origin: germline.
Comment: This sequence change creates a premature translational stop signal (p.Lys32*) in the ERCC6 gene. It is expected to result in an absent or disrupted protein product. Loss-of-function variants in ERCC6 are known to be pathogenic (PMID: 18628313, 29572252). This variant is not present in population databases (gnomAD no frequency). This variant has not been reported in the literature in individuals affected with ERCC6-related conditions. For these reasons, this variant has been classified as Pathogenic.

Literature cited by the submitters: PubMed 18628313; PubMed 29572252.